The following is an entry in ClinVar:

ClinVar aggregate classification (germline): Conflicting classifications of pathogenicity. Review status: criteria provided, conflicting classifications (1 of 4 stars). 2 submissions from 2 submitters: Uncertain significance (1); Likely benign (1). Last evaluated 2025-04-17.

Conditions:
PGM1-related disorder. Also called: PGM1-related condition; PGM1-related disorders.

Allele frequency attached by ClinVar (database versions not stated): gnomAD exomes 0.00007 and 0.00017; ESP Exome Variant Server 0.00017; ExAC 0.00021; gnomAD 0.00070 and 0.00071; TOPMed 0.00085; 1000 Genomes Project 30x 0.00125; 1000 Genomes Project 0.00160.
gnomAD v4.1: 216 of 1,612,774 alleles (0.013%); highest among the groups gnomAD compares: African/African-American, 0.25%; no homozygotes.

Submissions (2):

PreventionGenetics, part of Exact Sciences
Classification: Likely benign for PGM1-related condition. Last evaluated: 2025-04-17. Review status: criteria provided, single submitter. Criteria: ACMG Guidelines, 2015. Collection method: clinical testing. Allele origin: germline.
Comment: This variant is classified as likely benign based on ACMG/AMP sequence variant interpretation guidelines (Richards et al. 2015 PMID: 25741868, with internal and published modifications).

GeneDx
Classification: Uncertain significance. Last evaluated: 2018-01-22. Review status: criteria provided, single submitter. Criteria: GeneDx Variant Classification (06012015). Collection method: clinical testing. Allele origin: germline. Affected: yes.
Comment: The C52Y variant, present in an alternate transcript of the PGM1 gene, has not been reported previously as a pathogenic variant, nor as a benign variant, to our knowledge. The C52Y variant is observed in 56/22848 (0.25%) alleles from individuals of African background in large population cohorts (Lek et al., 2016). The C52Y variant is a non-conservative amino acid substitution, which is likely to impact secondary protein structure as these residues differ in polarity, charge, size and/or other properties. In-silico analyses, including protein predictors and evolutionary conservation, support that this variant does not alter protein structure/function. We interpret C52Y as a variant of uncertain significance.

NM_002633.3(PGM1):c.247-5810G>A

Gene: PGM1 (phosphoglucomutase 1; plus strand). Cytogenetic location: 1p31.3.
Variant type: single nucleotide variant.
Coding change: c.247-5810G>A on transcript NM_002633.3 (MANE Select); 5810 bases into the intron before coding-DNA position 247, G replaced by A.
Molecular consequence: intron variant. On other transcripts: missense variant (1).
Genome position (GRCh38, 1-based): chr1:63,623,615, G>A. VCF-style: chr1-63623615-G-A. GRCh37 (hg19) VCF-style: chr1-64089286-G-A.
Other names: c.155G>A, p.Cys52Tyr (NM_001172818.1); c.-345-5810G>A (NM_001172819.2); short protein forms C52Y.
Identifiers: ClinVar variation 489030 (VCV000489030.3), dbSNP rs140738630, ClinGen allele CA889452.